The following is an entry in ClinVar:

ClinVar aggregate classification (germline): Uncertain significance (1 of 4 stars; one submission).

Conditions:
Hereditary cancer-predisposing syndrome. Also called: Hereditary neoplastic syndrome; Neoplastic Syndromes, Hereditary; Tumor predisposition; Hereditary Cancer Syndrome. Identifiers: Orphanet 140162, MedGen C0027672, MeSH D009386, MONDO:0015356.

Submission:

Ambry Genetics
Classification: Uncertain significance for Hereditary cancer-predisposing syndrome. Last evaluated: 2025-02-24. Review status: criteria provided, single submitter. Criteria: Ambry Variant Classification Scheme 2023. Collection method: clinical testing. Allele origin: germline.
Comment: The p.E543Q variant (also known as c.1627G>C), located in coding exon 13 of the EGFR gene, results from a G to C substitution at nucleotide position 1627. The glutamic acid at codon 543 is replaced by glutamine, an amino acid with highly similar properties. This amino acid position is conserved. In addition, this alteration is predicted to be tolerated by in silico analysis. Based on the available evidence, the clinical significance of this variant remains unclear.

NM_005228.5(EGFR):c.1627G>C (p.Glu543Gln)

Gene: EGFR (epidermal growth factor receptor; plus strand). Cytogenetic location: 7p11.2.
Variant type: single nucleotide variant.
Coding change: c.1627G>C on transcript NM_005228.5 (MANE Select); coding-DNA position 1627, G replaced by C.
Protein change: p.Glu543Gln; replaces glutamic acid 543 with glutamine.
Molecular consequence: missense variant.
Genome position (GRCh38, 1-based): chr7:55,161,627, G>C. VCF-style: chr7-55161627-G-C. GRCh37 (hg19) VCF-style: chr7-55229320-G-C.
Other names: c.1492G>C, p.Glu498Gln (NM_001346897.2, NM_001346899.2); c.1627G>C, p.Glu543Gln (NM_001346898.2, NM_201282.2, NM_201284.2); c.1468G>C, p.Glu490Gln (NM_001346900.2); c.826G>C, p.Glu276Gln (NM_001346941.2); short protein forms E276Q, E498Q, E543Q, E490Q.
Identifiers: ClinVar variation 3843845 (VCV003843845.1).